The following is an entry in ClinVar:

ClinVar aggregate classification (germline): Conflicting classifications of pathogenicity. Review status: criteria provided, conflicting classifications (1 of 4 stars). 4 submissions from 4 submitters: Uncertain significance (3); Likely benign (1). Last evaluated 2026-07-21.

Conditions:
DICER1-related disorder. Also called: DICER1-related condition.
Global developmental delay - lung cysts - overgrowth - Wilms tumor syndrome. Also called: GLOBAL DEVELOPMENTAL DELAY, LUNG CYSTS, OVERGROWTH, AND WILMS TUMOR; GLOW Syndrome. Identifiers: Orphanet 404476, MedGen C4748924, MONDO:0018445, OMIM 618272.
Euthyroid goiter (MNG1). Also called: MULTINODULAR GOITER, ADOLESCENT; Goiter, multinodular 1, with or without Sertoli-Leydig cell tumors; GOITER, NONTOXIC, WITH INTRATHYROIDAL CALCIFICATION; SIMPLE GOITER. Identifiers: Orphanet 276399, MedGen C0302859, MONDO:0007681, OMIM 138800, HP:0009798.
Pleuropulmonary blastoma (PPB). Identifiers: Orphanet 64742, MedGen C1266144, MONDO:0011014, OMIM 601200, HP:0100528.
Rhabdomyosarcoma, embryonal, 2 (RMSE2). Identifiers: MedGen C1867234, MONDO:0859046, OMIM 180295.
DICER1-related tumor predisposition. Also called: DICER1 syndrome; DICER1-related pleuropulmonary blastoma cancer predisposition syndrome. Identifiers: Orphanet 284343, MedGen C3839822, MONDO:0100216.
Hereditary cancer-predisposing syndrome. Also called: Neoplastic Syndromes, Hereditary; Tumor predisposition; Hereditary Cancer Syndrome; Hereditary neoplastic syndrome. Identifiers: Orphanet 140162, MedGen C0027672, MeSH D009386, MONDO:0015356.

Allele frequency attached by ClinVar (database versions not stated): ExAC 0.00001; gnomAD exomes 0.00001.

Submissions (4):

PreventionGenetics, part of Exact Sciences
Classification: Uncertain significance for DICER1-related condition. Last evaluated: 2026-07-21. Review status: criteria provided, single submitter. Criteria: ACMG Guidelines, 2015. Collection method: clinical testing. Allele origin: germline.
Comment: The DICER1 c.3827A>G variant is predicted to result in the amino acid substitution p.Asp1276Gly. To our knowledge, this variant has not been reported in the literature. This variant is reported in 0.0018% of alleles in individuals of European (Non-Finnish) descent in gnomAD and has conflicting interpretations in ClinVar, ranging from uncertain to likely benign (Variation ID: 412115). At this time, the clinical significance of this variant is uncertain due to the absence of conclusive functional and genetic evidence.

Labcorp Genetics (formerly Invitae), Labcorp
Classification: Uncertain significance for DICER1-related tumor predisposition. Last evaluated: 2026-01-16. Review status: criteria provided, single submitter. Criteria: Invitae Variant Classification Sherloc (09022015). Collection method: clinical testing. Allele origin: germline.
Comment: This sequence change replaces aspartic acid, which is acidic and polar, with glycine, which is neutral and non-polar, at codon 1276 of the DICER1 protein (p.Asp1276Gly). This variant is present in population databases (rs758636143, gnomAD 0.002%). This variant has not been reported in the literature in individuals affected with DICER1-related conditions. ClinVar contains an entry for this variant (Variation ID: 412115). Invitae Evidence Modeling of protein sequence and biophysical properties (such as structural, functional, and spatial information, amino acid conservation, physicochemical variation, residue mobility, and thermodynamic stability) indicates that this missense variant is not expected to disrupt DICER1 protein function with a negative predictive value of 95%. In summary, the available evidence is currently insufficient to determine the role of this variant in disease. Therefore, it has been classified as a Variant of Uncertain Significance.

Ambry Genetics
Classification: Likely benign for Hereditary cancer-predisposing syndrome. Last evaluated: 2025-09-15. Review status: criteria provided, single submitter. Criteria: Ambry Variant Classification Scheme 2023. Collection method: clinical testing. Allele origin: germline.

Fulgent Genetics
Classification: Uncertain significance for Euthyroid goiter; Rhabdomyosarcoma, embryonal, 2; Pleuropulmonary blastoma; Global developmental delay - lung cysts - overgrowth - Wilms tumor syndrome. Last evaluated: 2024-05-19. Review status: criteria provided, single submitter. Criteria: ACMG Guidelines, 2015. Collection method: clinical testing. Allele origin: germline.

NM_177438.3(DICER1):c.3827A>G (p.Asp1276Gly)

Gene: DICER1 (dicer 1, ribonuclease III; minus strand). Cytogenetic location: 14q32.13.
Variant type: single nucleotide variant.
Coding change: c.3827A>G on transcript NM_177438.3 (MANE Select); coding-DNA position 3827, A replaced by G.
Protein change: p.Asp1276Gly; replaces aspartic acid 1276 with glycine.
Molecular consequence: missense variant.
Genome position (GRCh38, 1-based): chr14:95,103,569, T>C on the plus strand (A>G on the coding strand, the complement: DICER1 is on the minus strand). VCF-style: chr14-95103569-T-C. GRCh37 (hg19) VCF-style: chr14-95569906-T-C.
Other names: c.3827A>G, p.Asp1276Gly (NM_001195573.1, NM_001271282.3, NM_001291628.2 and 1 more transcripts); short protein forms D1276G.
Identifiers: ClinVar variation 412115 (VCV000412115.18), dbSNP rs758636143, ClinGen allele CA7330981.